The following is an entry in ClinVar:

ClinVar aggregate classification (germline): Likely benign. Review status: criteria provided, multiple submitters, no conflicts (2 of 4 stars). 4 submissions from 4 submitters: Likely benign (4). Last evaluated 2026-06-21.

Conditions:
TTN-related disorder. Also called: TTN-related disorders; TTN-related condition; TTN-related disease.
Cardiovascular phenotype. Identifiers: MedGen CN230736.
Autosomal recessive limb-girdle muscular dystrophy type 2J (LGMDR10). Also called: MUSCULAR DYSTROPHY, LIMB-GIRDLE, AUTOSOMAL RECESSIVE 10; Limb-girdle muscular dystrophy, type 2J. Identifiers: Orphanet 140922, MedGen C1837342, MONDO:0012127, OMIM 608807.
Dilated cardiomyopathy 1G (CMD1G). Identifiers: Orphanet 154, MedGen C1858763, MONDO:0011400, OMIM 604145.

Allele frequency attached by ClinVar (database versions not stated): TOPMed below 0.00001; ExAC 0.00001; gnomAD exomes 0.00001 and 0.00002; ESP Exome Variant Server 0.00008.
gnomAD v4.1: 5 of 1,612,852 alleles (0.00031%); highest among the groups gnomAD compares: Admixed American, 0.0083%; no homozygotes.

Submissions (4):

PreventionGenetics, part of Exact Sciences
Classification: Likely benign for TTN-related condition. Last evaluated: 2026-06-21. Review status: criteria provided, single submitter. Criteria: ACMG Guidelines, 2015. Collection method: clinical testing. Allele origin: germline.
Comment: This variant is classified as likely benign based on ACMG/AMP sequence variant interpretation guidelines (Richards et al. 2015 PMID: 25741868, with internal and published modifications).

Labcorp Genetics (formerly Invitae), Labcorp
Classification: Likely benign for Dilated cardiomyopathy 1G; Autosomal recessive limb-girdle muscular dystrophy type 2J. Last evaluated: 2025-04-27. Review status: criteria provided, single submitter. Criteria: Invitae Variant Classification Sherloc (09022015). Collection method: clinical testing. Allele origin: germline.

Ambry Genetics
Classification: Likely benign for Cardiovascular phenotype. Last evaluated: 2024-10-21. Review status: criteria provided, single submitter. Criteria: Ambry Variant Classification Scheme 2023. Collection method: clinical testing. Allele origin: germline.

Blueprint Genetics
Classification: Likely benign. Last evaluated: 2024-08-20. Review status: criteria provided, single submitter. Criteria: ACMG Guidelines, 2015. Collection method: clinical testing. Allele origin: germline.

NM_001267550.2(TTN):c.102276T>C (p.Arg34092=)

Genes: TTN (titin; minus strand), TTN-AS1 (TTN antisense RNA 1; plus strand). Cytogenetic location: 2q31.2.
Variant type: single nucleotide variant.
Coding change: c.102276T>C on transcript NM_001267550.2 (MANE Select); coding-DNA position 102276, T replaced by C.
Protein change: p.Arg34092=; no amino-acid change (arginine 34092 retained).
Molecular consequence: synonymous variant.
Genome position (GRCh38, 1-based): chr2:178,534,339, A>G on the plus strand (T>C on the coding strand, the complement: TTN is on the minus strand). VCF-style: chr2-178534339-A-G. GRCh37 (hg19) VCF-style: chr2-179399066-A-G.
Other names: c.97353T>C, p.Arg32451= (NM_001256850.1); c.75081T>C, p.Arg25027= (NM_003319.4); c.94572T>C, p.Arg31524= (NM_133378.4); c.75456T>C, p.Arg25152= (NM_133432.3); c.75657T>C, p.Arg25219= (NM_133437.4).
Identifiers: ClinVar variation 1625508 (VCV001625508.11), dbSNP rs369174451, ClinGen allele CA1985776.